The following is an entry in ClinVar:

ClinVar aggregate classification (germline): Likely pathogenic (1 of 4 stars; one submission).

Conditions:
Reticular dysgenesis. Also called: RETICULAR DYSGENESIA; SEVERE COMBINED IMMUNODEFICIENCY WITH LEUKOPENIA; ALEUKOCYTOSIS; CONGENITAL ALEUKIA; HEMATOPOIETIC HYPOPLASIA, GENERALIZED; DeVaal disease. Identifiers: Orphanet 33355, MedGen C0272167, MONDO:0009973, OMIM 267500.

Submission:

Labcorp Genetics (formerly Invitae), Labcorp
Classification: Likely pathogenic for Reticular dysgenesis. Last evaluated: 2025-05-07. Review status: criteria provided, single submitter. Criteria: Invitae Variant Classification Sherloc (09022015). Collection method: clinical testing. Allele origin: germline.
Comment: This sequence change creates a premature translational stop signal (Exon 6) in the AK2 gene. While this is not anticipated to result in nonsense mediated decay, it is expected to disrupt the last 27 amino acid(s) of the AK2 protein. This variant is not present in population databases (gnomAD no frequency). This premature translational stop signal has been observed in individual(s) with severe combined immunodeficiency (PMID: 19043417). ClinVar contains an entry for this variant (Variation ID: 657641). Experimental studies and prediction algorithms are not available or were not evaluated, and the functional significance of this variant is currently unknown. In summary, the currently available evidence indicates that the variant is pathogenic, but additional data are needed to prove that conclusively. Therefore, this variant has been classified as Likely Pathogenic.

Literature cited by the submitters: PubMed 19043417.

NM_001625.4(AK2):c.636_*791del (p.Ala212_Ter240delinsXaa)

Gene: AK2 (adenylate kinase 2; minus strand). Cytogenetic location: 1p35.1.
Variant type: Deletion.
Coding change: c.636_*791del on transcript NM_001625.4 (MANE Select); coding-DNA position 636 through 791 bases downstream of the stop codon, 876 bases deleted.
Protein change: p.Ala212_Ter240delinsXaa.
Molecular consequence: stop lost. On other transcripts: 3 prime UTR variant (1), splice donor variant (5).
Genome position (GRCh38, 1-based): chr1:33,012,390-33,013,265, 876 bases deleted. GRCh37 (hg19): chr1:33,477,992-33,478,867.
Other names: c.492_*791del, p.Ala164_Ter192delinsXaa (NM_001319140.2); c.*139_*1014del (NM_001319143.2); c.636_694+817del (NM_013411.5); c.510_568+817del (NM_001319142.3); c.612_670+817del (NM_001199199.3); c.636_695-268del (NM_001319141.3); c.492_550+817del (NM_001319139.3).
Identifiers: ClinVar variation 657641 (VCV000657641.8), dbSNP rs1570186429, ClinGen allele CA915941203.